The following is an entry in ClinVar:

ClinVar aggregate classification (germline): Benign (1 of 4 stars; one submission).

Allele frequency attached by ClinVar (database versions not stated): 1000 Genomes Project 0.57149; 1000 Genomes Project 30x 0.57558; ExAC 0.59977; TOPMed 0.61096; gnomAD 0.61362; ESP Exome Variant Server 0.62410; gnomAD exomes 0.62866.
gnomAD v4.1: 1,009,602 of 1,611,968 alleles (63%); highest among the groups gnomAD compares: East Asian, 65%; 318,536 homozygotes.

Submission:

Unidad de Genómica Garrahan, Hospital de Pediatría Garrahan
Classification: Benign. Last evaluated: 2024-01-24. Review status: criteria provided, single submitter. Criteria: ACMG Guidelines, 2015. Collection method: clinical testing. Allele origin: germline. Affected: no. Observed: 69 variant alleles.
Comment: This variant is classified as Benign based on local population frequency. This variant was detected in 73% of patients studied by a panel of primary immunodeficiencies. Number of patients: 69. Only high quality variants are reported.

NM_000616.5(CD4):c.50-31T>C

Gene: CD4 (CD4 molecule; plus strand). Cytogenetic location: 12p13.31.
Variant type: single nucleotide variant.
Coding change: c.50-31T>C on transcript NM_000616.5 (MANE Select); 31 bases into the intron before coding-DNA position 50, T replaced by C.
Molecular consequence: intron variant.
Genome position (GRCh38, 1-based): chr12:6,800,276, T>C. VCF-style: chr12-6800276-T-C. GRCh37 (hg19) VCF-style: chr12-6909442-T-C.
Other names: c.50-31T>C (NM_001382707.1); c.-933-31T>C (NM_001382706.1); c.49+89T>C (NM_001382714.1); c.-769+10614T>C (NM_001382705.1); c.-619+10614T>C (NM_001195015.3); c.-649+10614T>C (NM_001195014.3); c.-606+10614T>C (NM_001195016.3); c.-584+10614T>C (NM_001195017.3).
Identifiers: ClinVar variation 2688003 (VCV002688003.2), dbSNP rs2255301, ClinGen allele CA6415681.